The following is an entry in ClinVar:

ClinVar aggregate classification (germline): Uncertain significance (1 of 4 stars; one submission).

Conditions:
Inborn genetic diseases. Identifiers: MedGen C0950123, MeSH D030342.

Submission:

Ambry Genetics
Classification: Uncertain significance for Inborn genetic diseases. Last evaluated: 2023-06-30. Review status: criteria provided, single submitter. Criteria: Ambry Variant Classification Scheme 2023. Collection method: clinical testing. Allele origin: germline.
Comment: The p.V2553A variant (also known as c.7658T>C), located in coding exon 46 of the ATR gene, results from a T to C substitution at nucleotide position 7658. The valine at codon 2553 is replaced by alanine, an amino acid with similar properties. This amino acid position is conserved. In addition, this alteration is predicted to be deleterious by in silico analysis. Since supporting evidence is limited at this time, the clinical significance of this alteration remains unclear.

NM_001184.4(ATR):c.7658T>C (p.Val2553Ala)

Gene: ATR (ATR checkpoint kinase; minus strand). Cytogenetic location: 3q23.
Variant type: single nucleotide variant.
Coding change: c.7658T>C on transcript NM_001184.4 (MANE Select); coding-DNA position 7658, T replaced by C.
Protein change: p.Val2553Ala; replaces valine 2553 with alanine.
Molecular consequence: missense variant.
Genome position (GRCh38, 1-based): chr3:142,453,231, A>G on the plus strand (T>C on the coding strand, the complement: ATR is on the minus strand). VCF-style: chr3-142453231-A-G. GRCh37 (hg19) VCF-style: chr3-142172073-A-G.
Other names: c.7466T>C, p.Val2489Ala (NM_001354579.2); short protein forms V2489A, V2553A.
Identifiers: ClinVar variation 2587554 (VCV002587554.2), dbSNP rs1043401586, ClinGen allele CA354794241.